The following is an entry in ClinVar:

ClinVar aggregate classification (germline): Uncertain significance. Review status: criteria provided, multiple submitters, no conflicts (2 of 4 stars). 2 submissions from 2 submitters: Uncertain significance (2). Last evaluated 2023-04-26.

Conditions:
Inborn genetic diseases. Identifiers: MedGen C0950123, MeSH D030342.

Allele frequency attached by ClinVar (database versions not stated): gnomAD exomes 0.00002; TOPMed 0.00002.
gnomAD v4.1: 22 of 1,405,102 alleles (0.0016%); highest among the groups gnomAD compares: Admixed American, 0.0065%; no homozygotes.

Submissions (2):

Mayo Clinic Laboratories, Mayo Clinic
Classification: Uncertain significance. Last evaluated: 2023-04-26. Review status: criteria provided, single submitter. Criteria: ACMG Guidelines, 2015. Collection method: clinical testing. Allele origin: germline. Observed: 1 variant allele.
Comment: PM2_supporting

Ambry Genetics
Classification: Uncertain significance for Inborn genetic diseases. Last evaluated: 2022-05-27. Review status: criteria provided, single submitter. Criteria: Ambry Variant Classification Scheme 2023. Collection method: clinical testing. Allele origin: germline.

NM_173689.7(CRB2):c.3116A>G (p.Glu1039Gly)

Gene: CRB2 (crumbs cell polarity complex component 2; plus strand). Cytogenetic location: 9q33.3.
Variant type: single nucleotide variant.
Coding change: c.3116A>G on transcript NM_173689.7 (MANE Select); coding-DNA position 3116, A replaced by G.
Protein change: p.Glu1039Gly; replaces glutamic acid 1039 with glycine.
Molecular consequence: missense variant. On other transcripts: non-coding transcript variant (1).
Genome position (GRCh38, 1-based): chr9:123,373,647, A>G. VCF-style: chr9-123373647-A-G. GRCh37 (hg19) VCF-style: chr9-126135926-A-G.
Other names: p.Glu1039Gly; short protein forms E1039G.
Identifiers: ClinVar variation 2292051 (VCV002292051.3), dbSNP rs982095807, ClinGen allele CA199639095.
Genomic context (GRCh38, chr9:123,373,647, plus strand): 5'-TGGGCGGCCTGCCCCTGCCCTTGGCGCGGCCCCGGCCCGGCGCGGCCCCTGGCGCCCGAG[A>G]GCACTTCGCGTCTTGGCCTGGGACGCCGGCCCCGATCCTCGGCTGCCGCGGCGCGCCCGT-3'
Protein context (NP_775960.4, residues 1029-1049): PRPGAAPGAR[Glu1039Gly]HFASWPGTPA